The following is an entry in ClinVar:

NM_001942.4(DSG1):c.2353C>A (p.Leu785Ile)

Genes: DSG1 (desmoglein 1; plus strand), DSG1-AS1 (DSG1 antisense RNA 1; minus strand), LOC126862720 (MED14-independent group 3 enhancer GRCh37_chr18:28933613-28934812; plus strand). Cytogenetic location: 18q12.1.
Variant type: single nucleotide variant.
Coding change: c.2353C>A on transcript NM_001942.4 (MANE Select); coding-DNA position 2353, C replaced by A.
Protein change: p.Leu785Ile; replaces leucine 785 with isoleucine.
Molecular consequence: missense variant.
Genome position (GRCh38, 1-based): chr18:31,354,549, C>A. VCF-style: chr18-31354549-C-A. GRCh37 (hg19) VCF-style: chr18-28934512-C-A.
Other names: short protein forms L785I.
Identifiers: ClinVar variation 3009783 (VCV003009783.3), dbSNP rs774455346, ClinGen allele CA297704268.
Genomic context (GRCh38, chr18:31,354,549, plus strand): 5'-AAAGAATCATATCCAGACCTTGATCCTTCTTGGCCACCACAAAGCACTGAACCAGTTTGC[C>A]TTCCTCAGGAAACAGAGCCCGTTGTTAGTGGACACCCACCAATCTCCCCACATTTCGGCA-3'
Protein context (NP_001933.2, residues 775-795): WPPQSTEPVC[Leu785Ile]PQETEPVVSG

ClinVar aggregate classification (germline): Uncertain significance (1 of 4 stars; one submission).

Submission:

Labcorp Genetics (formerly Invitae), Labcorp
Classification: Uncertain significance. Last evaluated: 2025-09-29. Review status: criteria provided, single submitter. Criteria: Invitae Variant Classification Sherloc (09022015). Collection method: clinical testing. Allele origin: germline.
Comment: This sequence change replaces leucine, which is neutral and non-polar, with isoleucine, which is neutral and non-polar, at codon 785 of the DSG1 protein (p.Leu785Ile). This variant is present in population databases (rs774455346, gnomAD 0.009%). This variant has not been reported in the literature in individuals affected with DSG1-related conditions. ClinVar contains an entry for this variant (Variation ID: 3009783). Invitae Evidence Modeling of protein sequence and biophysical properties (such as structural, functional, and spatial information, amino acid conservation, physicochemical variation, residue mobility, and thermodynamic stability) indicates that this missense variant is not expected to disrupt DSG1 protein function with a negative predictive value of 80%. In summary, the available evidence is currently insufficient to determine the role of this variant in disease. Therefore, it has been classified as a Variant of Uncertain Significance.